The following is an entry in ClinVar:

NM_015978.3(TNNI3K):c.1100A>T (p.Asn367Ile)

Genes: FPGT-TNNI3K (FPGT-TNNI3K readthrough; plus strand), TNNI3K (TNNI3 interacting kinase; plus strand). Cytogenetic location: 1p31.1.
Variant type: single nucleotide variant.
Coding change: c.1100A>T on transcript NM_015978.3 (MANE Select); coding-DNA position 1100, A replaced by T.
Protein change: p.Asn367Ile; replaces asparagine 367 with isoleucine.
Molecular consequence: missense variant.
Genome position (GRCh38, 1-based): chr1:74,354,052, A>T. VCF-style: chr1-74354052-A-T. GRCh37 (hg19) VCF-style: chr1-74819736-A-T.
Other names: c.1403A>T, p.Asn468Ile (NM_001112808.3, NM_001199327.2); short protein forms N367I, N468I.
Identifiers: ClinVar variation 4702804 (VCV004702804.1).

ClinVar aggregate classification (germline): Uncertain significance (1 of 4 stars; one submission).

gnomAD v4.1: 1 of 1,613,984 alleles (0.000062%); highest among the groups gnomAD compares: African/African-American, 0.0013%; no homozygotes.

Submission:

Labcorp Genetics (formerly Invitae), Labcorp
Classification: Uncertain significance. Last evaluated: 2025-12-20. Review status: criteria provided, single submitter. Criteria: Invitae Variant Classification Sherloc (09022015). Collection method: clinical testing. Allele origin: germline.
Comment: This sequence change replaces asparagine, which is neutral and polar, with isoleucine, which is neutral and non-polar, at codon 367 of the TNNI3K protein (p.Asn367Ile). This variant is not present in population databases (gnomAD no frequency). This variant has not been reported in the literature in individuals affected with TNNI3K-related conditions. Invitae Evidence Modeling of protein sequence and biophysical properties (such as structural, functional, and spatial information, amino acid conservation, physicochemical variation, residue mobility, and thermodynamic stability) indicates that this missense variant is not expected to disrupt TNNI3K protein function with a negative predictive value of 80%. In summary, the available evidence is currently insufficient to determine the role of this variant in disease. Therefore, it has been classified as a Variant of Uncertain Significance.